The following is an entry in ClinVar:

ClinVar aggregate classification (germline): Uncertain significance (1 of 4 stars; one submission).

Conditions:
Cardiovascular phenotype. Identifiers: MedGen CN230736.

Submission:

Ambry Genetics
Classification: Uncertain significance for Cardiovascular phenotype. Last evaluated: 2022-11-07. Review status: criteria provided, single submitter. Criteria: Ambry Variant Classification Scheme 2023. Collection method: clinical testing. Allele origin: germline.
Comment: The p.G1674W variant (also known as c.5020G>T), located in coding exon 27 of the SCN10A gene, results from a G to T substitution at nucleotide position 5020. The glycine at codon 1674 is replaced by tryptophan, an amino acid with highly dissimilar properties. This amino acid position is conserved. In addition, the in silico prediction for this alteration is inconclusive. Since supporting evidence is limited at this time, the clinical significance of this alteration remains unclear.

NM_006514.4(SCN10A):c.5020G>T (p.Gly1674Trp)

Gene: SCN10A (sodium voltage-gated channel alpha subunit 10; minus strand). Cytogenetic location: 3p22.2.
Variant type: single nucleotide variant.
Coding change: c.5020G>T on transcript NM_006514.4 (MANE Select); coding-DNA position 5020, G replaced by T.
Protein change: p.Gly1674Trp; replaces glycine 1674 with tryptophan.
Molecular consequence: missense variant.
Genome position (GRCh38, 1-based): chr3:38,698,200, C>A on the plus strand (G>T on the coding strand, the complement: SCN10A is on the minus strand). VCF-style: chr3-38698200-C-A. GRCh37 (hg19) VCF-style: chr3-38739691-C-A.
Other names: c.5017G>T, p.Gly1673Trp (NM_001293306.2); c.4726G>T, p.Gly1576Trp (NM_001293307.2); short protein forms G1576W, G1673W, G1674W.
Identifiers: ClinVar variation 3225673 (VCV003225673.1), dbSNP rs781206011, ClinGen allele CA352154860.
Genomic context (GRCh38, chr3:38,698,200, plus strand): 5'-TCCCACAGTCCCCTCTGGTGCCATTGCTGTTGGGCAGATTGGGGTCACAGTAGGGGGGCC[C>A]TGTGTTGAGGATGGGGCTGAGGAGGCCATCCCAGCCGGCCGACGTGGTAATCTGGAAGAG-3'
Protein context (NP_006505.4, residues 1664-1684): DGLLSPILNT[Gly1674Trp]PPYCDPNLPN